The following is an entry in ClinVar:

ClinVar aggregate classification (germline): Conflicting classifications of pathogenicity. Review status: criteria provided, conflicting classifications (1 of 4 stars). 7 submissions from 7 submitters: Uncertain significance (4); Likely benign (3). Last evaluated 2026-10-01.

Conditions:
IFT140-related disorder. Also called: IFT140-related condition.
Saldino-Mainzer syndrome (SRTD9). Also called: Renal dysplasia, retinal pigmentary dystrophy, cerebellar ataxia and skeletal dysplasia; CONORENAL SYNDROME; SHORT-RIB THORACIC DYSPLASIA 9 WITHOUT POLYDACTYLY; short-rib thoracic dysplasia 9 with or without polydactyly. Identifiers: Orphanet 140969, MedGen C1849437, MONDO:0009964, OMIM 266920.
Retinitis pigmentosa 80 (RP80). Identifiers: MedGen C4540439, MONDO:0054708, OMIM 617781.
Retinal dystrophy. Also called: Inherited retinal dystrophy. Identifiers: Orphanet 71862, MedGen C0854723, MeSH D058499, MONDO:0019118, HP:0000556.

Allele frequency attached by ClinVar (database versions not stated): ExAC 0.00078; gnomAD 0.00083 and 0.00086; gnomAD exomes 0.00083 and 0.00126; TOPMed 0.00092; ESP Exome Variant Server 0.00123.
gnomAD v4.1: 1,968 of 1,606,138 alleles (0.12%); highest among the groups gnomAD compares: Middle Eastern, 0.28%; 2 homozygotes.

Submissions (7):

CeGaT Center for Human Genetics Tuebingen
Classification: Likely benign. Last evaluated: 2026-10-01. Review status: criteria provided, single submitter. Criteria: CeGaT Center For Human Genetics Tuebingen Variant Classification Criteria Version 2. Collection method: clinical testing. Allele origin: germline. Affected: yes. Observed: 2 variant alleles.
Comment: IFT140: BP4

PreventionGenetics, part of Exact Sciences
Classification: Uncertain significance for IFT140-related condition. Last evaluated: 2026-06-22. Review status: criteria provided, single submitter. Criteria: ACMG Guidelines, 2015. Collection method: clinical testing. Allele origin: germline.
Comment: The IFT140 c.4297C>T variant is predicted to result in the amino acid substitution p.Arg1433Cys. This variant was previously reported in an individual with retinal disease (supplementary data, Dineiro et al. 2020. PubMed ID: 32483926). However, this variant is reported in 0.14% of alleles in individuals of European (Non-Finnish) descent in gnomAD, which is likely too frequent to be a primary cause of disease. Although we suspect that this variant may be benign, at this time, the clinical significance of this variant is uncertain due to the absence of conclusive functional and genetic evidence.

Labcorp Genetics (formerly Invitae), Labcorp
Classification: Likely benign for Saldino-Mainzer syndrome. Last evaluated: 2026-01-28. Review status: criteria provided, single submitter. Criteria: Invitae Variant Classification Sherloc (09022015). Collection method: clinical testing. Allele origin: germline.

Blueprint Genetics
Classification: Likely benign. Last evaluated: 2024-11-05. Review status: criteria provided, single submitter. Criteria: ACMG Guidelines, 2015. Collection method: clinical testing. Allele origin: germline.

Department of Pathology and Laboratory Medicine, Sinai Health System
Classification: Uncertain significance for Saldino-Mainzer syndrome; Retinitis pigmentosa 80. Last evaluated: 2023-02-06. Review status: criteria provided, single submitter. Criteria: ACMG Guidelines, 2015. Collection method: research. Allele origin: germline.

Institute of Human Genetics, Univ. Regensburg, Univ. Regensburg
Classification: Uncertain significance for Retinal dystrophy. Last evaluated: 2022-01-01. Review status: criteria provided, single submitter. Criteria: ACMG Guidelines, 2015. Collection method: clinical testing. Allele origin: germline. Affected: yes.

Illumina Laboratory Services, Illumina
Classification: Uncertain significance for Saldino-Mainzer syndrome. Last evaluated: 2018-01-12. Review status: criteria provided, single submitter. Criteria: ICSL Variant Classification Criteria 13 December 2019. Collection method: clinical testing. Allele origin: germline.

Literature cited by the submitters: PubMed 32483926 (cited by Institute of Human Genetics, Univ. Regensburg, Univ. Regensburg).

NM_014714.4(IFT140):c.4297C>T (p.Arg1433Cys)

Gene: IFT140 (intraflagellar transport 140; minus strand). Cytogenetic location: 16p13.3.
Variant type: single nucleotide variant.
Coding change: c.4297C>T on transcript NM_014714.4 (MANE Select); coding-DNA position 4297, C replaced by T.
Protein change: p.Arg1433Cys; replaces arginine 1433 with cysteine.
Molecular consequence: missense variant.
Genome position (GRCh38, 1-based): chr16:1,511,036, G>A on the plus strand (C>T on the coding strand, the complement: IFT140 is on the minus strand). VCF-style: chr16-1511036-G-A. GRCh37 (hg19) VCF-style: chr16-1561037-G-A.
Other names: short protein forms R1433C.
Identifiers: ClinVar variation 858968 (VCV000858968.38), dbSNP rs141392067, ClinGen allele CA7812795.